The following is an entry in ClinVar:

NM_004453.4(ETFDH):c.38A>G (p.Tyr13Cys)

Gene: ETFDH (electron transfer flavoprotein dehydrogenase; plus strand). Cytogenetic location: 4q32.1.
Variant type: single nucleotide variant.
Coding change: c.38A>G on transcript NM_004453.4 (MANE Select); coding-DNA position 38, A replaced by G.
Protein change: p.Tyr13Cys; replaces tyrosine 13 with cysteine.
Molecular consequence: missense variant. On other transcripts: intron variant (1).
Genome position (GRCh38, 1-based): chr4:158,680,470, A>G. VCF-style: chr4-158680470-A-G. GRCh37 (hg19) VCF-style: chr4-159601622-A-G.
Other names: p.Y13C:TAT>TGT; c.35-1725A>G (NM_001281737.2); short protein forms Y13C.
Identifiers: ClinVar variation 203710 (VCV000203710.1), dbSNP rs746966542, ClinGen allele CA312519.

ClinVar aggregate classification (germline): Likely benign (1 of 4 stars; one submission).

Allele frequency attached by ClinVar (database versions not stated): gnomAD below 0.00001 and 0.00001; ExAC 0.00003; gnomAD exomes 0.00001 and 0.00002.

Submission:

GeneDx
Classification: Likely benign. Last evaluated: 2014-05-02. Review status: criteria provided, single submitter. Criteria: GeneDx Variant Classification (06012015). Collection method: clinical testing. Allele origin: germline. Affected: yes.
Comment: This variant is considered likely benign or benign based on one or more of the following criteria: it is a conservative change, it occurs at a poorly conserved position in the protein, it is predicted to be benign by multiple in silico algorithms, and/or has population frequency not consistent with disease.